The following is an entry in ClinVar:

NM_001854.4(COL11A1):c.4971+1G>A

Gene: COL11A1 (collagen type XI alpha 1 chain; minus strand). Cytogenetic location: 1p21.1.
Variant type: single nucleotide variant.
Coding change: c.4971+1G>A on transcript NM_001854.4 (MANE Select); the canonical splice donor site of the intron after coding-DNA position 4971, G replaced by A.
Molecular consequence: splice donor variant.
Genome position (GRCh38, 1-based): chr1:102,883,198, C>T on the plus strand (G>A on the coding strand, the complement: COL11A1 is on the minus strand). VCF-style: chr1-102883198-C-T. GRCh37 (hg19) VCF-style: chr1-103348754-C-T.
Other names: c.4854+1G>A (NM_001190709.2); c.5007+1G>A (NM_080629.3); c.4623+1G>A (NM_080630.4).
Identifiers: ClinVar variation 4993406 (VCV004993406.1).

ClinVar aggregate classification (germline): Likely pathogenic (1 of 4 stars; one submission).

Conditions:
COL11A1-related disorder. Also called: COL11A1-related condition; COL11A1-related disorders.

Submission:

PreventionGenetics, part of Exact Sciences
Classification: Likely pathogenic for COL11A1-related condition. Last evaluated: 2026-06-25. Review status: criteria provided, single submitter. Criteria: ACMG Guidelines, 2015. Collection method: clinical testing. Allele origin: germline.
Comment: The COL11A1 c.4971+1G>A variant is predicted to disrupt the GT donor site and interfere with normal splicing. To our knowledge, this variant has not been reported in the literature or in a large population database (gnomAD), indicating this variant is rare. Variants that disrupt the consensus splice donor site in COL11A1 are expected to be pathogenic. This variant is interpreted as likely pathogenic.